The following is an entry in ClinVar:

ClinVar aggregate classification (germline): Likely benign. Review status: criteria provided, multiple submitters, no conflicts (2 of 4 stars). 2 submissions from 2 submitters: Likely benign (2). Last evaluated 2026-09-01.

Conditions:
Inborn genetic diseases. Identifiers: MedGen C0950123, MeSH D030342.

Allele frequency attached by ClinVar (database versions not stated): ExAC 0.00002; gnomAD 0.00005; TOPMed 0.00006; gnomAD exomes 0.00007.
gnomAD v4.1: 112 of 1,614,088 alleles (0.0069%); highest among the groups gnomAD compares: Non-Finnish European, 0.0086%; no homozygotes.

Submissions (2):

CeGaT Center for Human Genetics Tuebingen
Classification: Likely benign. Last evaluated: 2026-09-01. Review status: criteria provided, single submitter. Criteria: CeGaT Center For Human Genetics Tuebingen Variant Classification Criteria Version 2. Collection method: clinical testing. Allele origin: germline. Affected: yes. Observed: 1 variant allele.
Comment: MACF1: BP4, BS2

Ambry Genetics
Classification: Likely benign for Inborn genetic diseases. Last evaluated: 2023-04-25. Review status: criteria provided, single submitter. Criteria: Ambry Variant Classification Scheme 2023. Collection method: clinical testing. Allele origin: germline.

NM_001394062.1(MACF1):c.10910G>A (p.Gly3637Asp)

Gene: MACF1 (microtubule actin crosslinking factor 1; plus strand). Cytogenetic location: 1p34.3.
Variant type: single nucleotide variant.
Coding change: c.10910G>A on transcript NM_001394062.1 (MANE Select); coding-DNA position 10910, G replaced by A.
Protein change: p.Gly3637Asp; replaces glycine 3637 with aspartic acid.
Molecular consequence: missense variant.
Genome position (GRCh38, 1-based): chr1:39,349,572, G>A. VCF-style: chr1-39349572-G-A. GRCh37 (hg19) VCF-style: chr1-39815244-G-A.
Other names: c.4724G>A, p.Gly1575Asp (NM_012090.5); short protein forms G1575D, G3637D.
Identifiers: ClinVar variation 2518892 (VCV002518892.3), dbSNP rs746901566, ClinGen allele CA781461.